The following is an entry in ClinVar:

ClinVar aggregate classification (germline): Benign (0 of 4 stars; one submission).

Conditions:
MUC16-related disorder. Also called: MUC16-related condition.

Allele frequency attached by ClinVar (database versions not stated): gnomAD exomes 0.00331; ExAC 0.01026; gnomAD 0.03022; ESP Exome Variant Server 0.03156; TOPMed 0.03375; 1000 Genomes Project 0.03654; 1000 Genomes Project 30x 0.03904.

Submission:

PreventionGenetics, part of Exact Sciences
Classification: Benign for MUC16-related condition. Last evaluated: 2020-02-14. Review status: no assertion criteria provided. Collection method: clinical testing. Allele origin: germline.
Comment: This variant is classified as benign based on ACMG/AMP sequence variant interpretation guidelines (Richards et al. 2015 PMID: 25741868, with internal and published modifications).

NM_001401501.2(MUC16):c.39054G>A (p.Glu13018=)

Gene: MUC16 (mucin 16, cell surface associated; minus strand). Cytogenetic location: 19p13.2.
Variant type: single nucleotide variant.
Coding change: c.39054G>A on transcript NM_001401501.2 (MANE Select); coding-DNA position 39054, G replaced by A.
Protein change: p.Glu13018=; no amino-acid change (glutamic acid 13018 retained).
Molecular consequence: synonymous variant.
Genome position (GRCh38, 1-based): chr19:8,900,689, C>T on the plus strand (G>A on the coding strand, the complement: MUC16 is on the minus strand). VCF-style: chr19-8900689-C-T. GRCh37 (hg19) VCF-style: chr19-9011365-C-T.
Other names: c.39480G>A, p.Glu13160= (NM_001414686.1); c.38934G>A, p.Glu12978= (NM_001414687.1); c.38868G>A, p.Glu12956= (NM_024690.2).
Identifiers: ClinVar variation 3058860 (VCV003058860.2), dbSNP rs145364810, ClinGen allele CA9164355.
Genomic context (GRCh38, chr19:8,900,689, plus strand): 5'-ACATCACATCTGTTCACCATTGACATAGAGACTGTTCCTGTCCAGGGTGTAGGGGCCCAG[C>T]TCTTTGATGCCATGGGTCAGCTGGCTCAGCTCCCAGTACAGCTGCTCTCTGTTGAGTCCA-3'
Protein context (NP_001388430.1, residues 13008-13028): ELSQLTHGIK[Glu13018=]LGPYTLDRNS